The following is an entry in ClinVar:

NM_003846.3(PEX11B):c.510T>G (p.Thr170=)

Gene: PEX11B (peroxisomal biogenesis factor 11 beta; minus strand). Cytogenetic location: 1q21.1.
Variant type: single nucleotide variant.
Coding change: c.510T>G on transcript NM_003846.3 (MANE Select); coding-DNA position 510, T replaced by G.
Protein change: p.Thr170=; no amino-acid change (threonine 170 retained).
Molecular consequence: synonymous variant. On other transcripts: non-coding transcript variant (3).
Genome position (GRCh38, 1-based): chr1:145,912,431, A>C on the plus strand (T>G on the coding strand, the complement: PEX11B is on the minus strand). VCF-style: chr1-145912431-A-C. GRCh37 (hg19) VCF-style: chr1-145522649-T-G.
Other names: c.510T>G (NM_003846.2); c.468T>G, p.Thr156= (NM_001184795.1).
Identifiers: ClinVar variation 498134 (VCV000498134.16), dbSNP rs782275834, ClinGen allele CA1055622.

ClinVar aggregate classification (germline): Conflicting classifications of pathogenicity. Review status: criteria provided, conflicting classifications (1 of 4 stars). 4 submissions from 4 submitters: Uncertain significance (1); Likely benign (3). Last evaluated 2026-01-08.

Conditions:
PEX11B-related disorder. Also called: PEX11B-related condition.

Allele frequency attached by ClinVar (database versions not stated): gnomAD 0.00003 and 0.00004; ExAC 0.00004; TOPMed 0.00004; gnomAD exomes 0.00006 and 0.00024.
gnomAD v4.1: 339 of 1,572,544 alleles (0.022%); highest among the groups gnomAD compares: Non-Finnish European, 0.029%; no homozygotes.

Submissions (4):

Labcorp Genetics (formerly Invitae), Labcorp
Classification: Likely benign. Last evaluated: 2026-01-08. Review status: criteria provided, single submitter. Criteria: Invitae Variant Classification Sherloc (09022015). Collection method: clinical testing. Allele origin: germline.

PreventionGenetics, part of Exact Sciences
Classification: Likely benign for PEX11B-related condition. Last evaluated: 2025-07-03. Review status: criteria provided, single submitter. Criteria: ACMG Guidelines, 2015. Collection method: clinical testing. Allele origin: germline.
Comment: This variant is classified as likely benign based on ACMG/AMP sequence variant interpretation guidelines (Richards et al. 2015 PMID: 25741868, with internal and published modifications).

Blueprint Genetics
Classification: Likely benign. Last evaluated: 2024-03-28. Review status: criteria provided, single submitter. Criteria: ACMG Guidelines, 2015. Collection method: clinical testing. Allele origin: germline.

Eurofins Ntd Llc (ga)
Classification: Uncertain significance. Last evaluated: 2016-10-31. Review status: criteria provided, single submitter. Criteria: EGL Classification Definitions 2015. Collection method: clinical testing. Allele origin: germline. Observed: 2 variant alleles, 2 heterozygotes.